The following is an entry in ClinVar:

NM_001242896.3(DEPDC5):c.2287C>T (p.Arg763Cys)

Gene: DEPDC5 (DEP domain containing 5, GATOR1 subcomplex subunit; plus strand). Cytogenetic location: 22q12.3.
Variant type: single nucleotide variant.
Coding change: c.2287C>T on transcript NM_001242896.3 (MANE Select); coding-DNA position 2287, C replaced by T.
Protein change: p.Arg763Cys; replaces arginine 763 with cysteine.
Molecular consequence: missense variant. On other transcripts: non-coding transcript variant (4).
Genome position (GRCh38, 1-based): chr22:31,837,088, C>T. VCF-style: chr22-31837088-C-T. GRCh37 (hg19) VCF-style: chr22-32233074-C-T.
Other names: c.2260C>T, p.Arg754Cys (NM_001136029.4, NM_001369903.1, NM_014662.6); c.2053C>T, p.Arg685Cys (NM_001242897.2, NM_001363854.2, NM_001364319.2); c.2287C>T, p.Arg763Cys (NM_001363852.2, NM_001364318.2, NM_001364320.2); c.2203C>T, p.Arg735Cys (NM_001369901.1, NM_001369902.1); short protein forms R685C, R763C, R754C, R735C.
Identifiers: ClinVar variation 590089 (VCV000590089.19), dbSNP rs745342391, ClinGen allele CA10196675.

ClinVar aggregate classification (germline): Conflicting classifications of pathogenicity. Review status: criteria provided, conflicting classifications (1 of 4 stars). 3 submissions from 3 submitters: Uncertain significance (1); Likely benign (2). Last evaluated 2025-11-29.

Conditions:
Familial focal epilepsy with variable foci (FPEVF). Identifiers: Orphanet 98820, MedGen C1858477, MONDO:0020310.
Inborn genetic diseases. Identifiers: MedGen C0950123, MeSH D030342.

Allele frequency attached by ClinVar (database versions not stated): ExAC 0.00005; gnomAD 0.00005 and 0.00006; TOPMed 0.00005; gnomAD exomes 0.00008.
gnomAD v4.1: 76 of 1,614,044 alleles (0.0047%); highest among the groups gnomAD compares: Admixed American, 0.04%; no homozygotes.

Submissions (3):

Labcorp Genetics (formerly Invitae), Labcorp
Classification: Uncertain significance for Familial focal epilepsy with variable foci. Last evaluated: 2025-11-29. Review status: criteria provided, single submitter. Criteria: Invitae Variant Classification Sherloc (09022015). Collection method: clinical testing. Allele origin: germline.
Comment: This sequence change replaces arginine, which is basic and polar, with cysteine, which is neutral and slightly polar, at codon 763 of the DEPDC5 protein (p.Arg763Cys). This variant is present in population databases (rs745342391, gnomAD 0.05%). This variant has not been reported in the literature in individuals affected with DEPDC5-related conditions. ClinVar contains an entry for this variant (Variation ID: 590089). Experimental studies and prediction algorithms are not available or were not evaluated, and the functional significance of this variant is currently unknown. In summary, the available evidence is currently insufficient to determine the role of this variant in disease. Therefore, it has been classified as a Variant of Uncertain Significance.

GeneDx
Classification: Likely benign. Last evaluated: 2021-03-30. Review status: criteria provided, single submitter. Criteria: GeneDx Variant Classification Process June 2021. Collection method: clinical testing. Allele origin: germline. Affected: yes.

Ambry Genetics
Classification: Likely benign for Inborn genetic diseases. Last evaluated: 2018-02-13. Review status: criteria provided, single submitter. Criteria: Ambry Variant Classification Scheme 2023. Collection method: clinical testing. Allele origin: germline.